The following is an entry in ClinVar:

NM_022482.5(GZF1):c.1216_1219dup (p.His407fs)

Gene: GZF1 (GDNF inducible zinc finger protein 1; plus strand). Cytogenetic location: 20p11.21.
Variant type: Duplication.
Coding change: c.1216_1219dup on transcript NM_022482.5 (MANE Select); coding-DNA positions 1216 to 1219, 4 bases duplicated (CGGC; older notation c.1216_1219dupCGGC).
Protein change: p.His407fs; shifts the reading frame from histidine 407.
Molecular consequence: frameshift variant.
Genome position (GRCh38, 1-based): chr20:23,365,599-23,365,602, CGGC duplicated. VCF-style (leftmost placement, unchanged base first): chr20-23365598-G-GCGGC. GRCh37 (hg19) VCF-style: chr20-23346235-G-GCGGC.
Other names: c.1216_1219dupCGGC (NM_022482.5); c.1216_1219dup, p.His407fs (NM_001317012.2, NM_001317019.1); short protein forms H407fs.
Identifiers: ClinVar variation 1074949 (VCV001074949.9), dbSNP rs1227208547, ClinGen allele CA635265949.

ClinVar aggregate classification (germline): Pathogenic/Likely pathogenic. Review status: criteria provided, multiple submitters, no conflicts (2 of 4 stars). 2 submissions from 2 submitters: Pathogenic (1); Likely pathogenic (1). Last evaluated 2023-02-28.

Conditions:
Joint laxity, short stature, and myopia. Identifiers: Orphanet 527450, MedGen C4540020, MONDO:0060556, OMIM 617662.

Allele frequency attached by ClinVar (database versions not stated): gnomAD exomes below 0.00001; TOPMed 0.00001.

Submissions (2):

King Laboratory, University of Washington
Classification: Likely pathogenic for Joint laxity, short stature, and myopia. Last evaluated: 2023-02-28. Review status: criteria provided, single submitter. Criteria: Li et al. (Genet Med. 2022). Collection method: research. Allele origin: unknown. Affected: yes.
Comment: This variant occurred in homozygosity in two siblings with a syndrome including bilateral sensorineural hearing loss of onset <18 years, severe congenital myopia and glaucoma, in a study of pediatric hearing loss conducted by the King Laboratory (Carlson RJ et al. JAMA-OtoHNS 2023). These siblings’ family has no other history of hearing loss. This variant is a single base pair insertion that causes a frameshift that is expected to lead to the addition of 209 incorrect amino acids and an elongated peptide of length 374 amino acids, compared to the normal 217 amino acid protein. As of January 2023, this variant has been reported to ClinVar as a variant of unknown significance and is found in 2 heterozygotes on gnomAD. Based on homozygosity, the prediction that this variant leads to a truncated protein, co-segregation with the phenotype within the family, and goodness of fit of genotype to phenotype, we conclude that this variant is likely pathogenic.

Labcorp Genetics (formerly Invitae), Labcorp
Classification: Pathogenic. Last evaluated: 2022-07-13. Review status: criteria provided, single submitter. Criteria: Invitae Variant Classification Sherloc (09022015). Collection method: clinical testing. Allele origin: germline.
Comment: ClinVar contains an entry for this variant (Variation ID: 1074949). This variant has not been reported in the literature in individuals affected with GZF1-related conditions. This variant is present in population databases (no rsID available, gnomAD 0.003%). This sequence change creates a premature translational stop signal (p.His407Profs*61) in the GZF1 gene. It is expected to result in an absent or disrupted protein product. Loss-of-function variants in GZF1 are known to be pathogenic (PMID: 28475863). For these reasons, this variant has been classified as Pathogenic.

Literature cited by the submitters: PubMed 36633841 (cited by King Laboratory, University of Washington); PubMed 28475863 (cited by Labcorp Genetics (formerly Invitae), Labcorp).